The following is an entry in ClinVar:

ClinVar aggregate classification (germline): Uncertain significance (0 of 4 stars; one submission).

Conditions:
COQ8A-related disorder. Also called: COQ8A-related condition.

Submission:

PreventionGenetics, part of Exact Sciences
Classification: Uncertain significance for COQ8A-related condition. Last evaluated: 2024-06-02. Review status: no assertion criteria provided. Collection method: clinical testing. Allele origin: germline.
Comment: The COQ8A c.1627G>C variant is predicted to result in the amino acid substitution p.Glu543Gln. To our knowledge, this variant has not been reported in the literature or in a large population database, indicating this variant is rare. At this time, the clinical significance of this variant is uncertain due to the absence of conclusive functional and genetic evidence.

NM_020247.5(COQ8A):c.1627G>C (p.Glu543Gln)

Gene: COQ8A (coenzyme Q8A; plus strand). Cytogenetic location: 1q42.13.
Variant type: single nucleotide variant.
Coding change: c.1627G>C on transcript NM_020247.5 (MANE Select); coding-DNA position 1627, G replaced by C.
Protein change: p.Glu543Gln; replaces glutamic acid 543 with glutamine.
Molecular consequence: missense variant.
Genome position (GRCh38, 1-based): chr1:226,985,308, G>C. VCF-style: chr1-226985308-G-C. GRCh37 (hg19) VCF-style: chr1-227173009-G-C.
Other names: short protein forms E543Q.
Identifiers: ClinVar variation 3345525 (VCV003345525.1).
Genomic context (GRCh38, chr1:226,985,308, plus strand): 5'-CCCCAGATCATCAGGGCTGCTGCCGACAGGGACAGGGAGACTGTGCGGGCGAAATCCATA[G>C]AGATGAAGTTCCTCACCGGCTACGAGGTCAAGGTGAGCAGGGTTGCGGGGGATCCCCTGG-3'
Protein context (NP_064632.2, residues 533-553): DRETVRAKSI[Glu543Gln]MKFLTGYEVK